The following is an entry in ClinVar:

NM_000455.5(STK11):c.241A>C (p.Lys81Gln)

Gene: STK11 (serine/threonine kinase 11; plus strand). Cytogenetic location: 19p13.3.
Variant type: single nucleotide variant.
Coding change: c.241A>C on transcript NM_000455.5 (MANE Select); coding-DNA position 241, A replaced by C.
Protein change: p.Lys81Gln; replaces lysine 81 with glutamine.
Molecular consequence: missense variant.
Genome position (GRCh38, 1-based): chr19:1,207,154, A>C. VCF-style: chr19-1207154-A-C. GRCh37 (hg19) VCF-style: chr19-1207153-A-C.
Other names: short protein forms K81Q.
Identifiers: ClinVar variation 922036 (VCV000922036.15), dbSNP rs2080673023, ClinGen allele CA402944466.

ClinVar aggregate classification (germline): Uncertain significance. Review status: criteria provided, multiple submitters, no conflicts (2 of 4 stars). 3 submissions from 3 submitters: Uncertain significance (3). Last evaluated 2023-12-04.

Conditions:
Hereditary cancer-predisposing syndrome. Also called: Hereditary Cancer Syndrome; Hereditary neoplastic syndrome; Neoplastic Syndromes, Hereditary; Tumor predisposition. Identifiers: Orphanet 140162, MedGen C0027672, MeSH D009386, MONDO:0015356.
Peutz-Jeghers syndrome (PJS). Also called: POLYPOSIS, HAMARTOMATOUS INTESTINAL; POLYPS-AND-SPOTS SYNDROME; Peutz-Jeghers polyposis; Periorificial lentiginosis syndrome. Identifiers: Orphanet 2869, MedGen C0031269, MeSH D010580, MONDO:0008280, OMIM 175200.

Submissions (3):

Color Diagnostics, LLC DBA Color Health
Classification: Uncertain significance for Hereditary cancer-predisposing syndrome. Last evaluated: 2023-12-04. Review status: criteria provided, single submitter. Criteria: ACMG Guidelines, 2015. Collection method: clinical testing. Allele origin: germline.
Comment: This missense variant replaces lysine with glutamine at codon 81 of the STK11 protein. Computational prediction is inconclusive regarding the impact of this variant on protein structure and function (internally defined REVEL score threshold 0.5 < inconclusive < 0.7, PMID: 27666373). To our knowledge, functional studies have not been reported for this variant. This variant has not been reported in individuals affected with STK11-related disorders in the literature. This variant has not been identified in the general population by the Genome Aggregation Database (gnomAD). The available evidence is insufficient to determine the role of this variant in disease conclusively. Therefore, this variant is classified as a Variant of Uncertain Significance.

Genome-Nilou Lab
Classification: Uncertain significance for Peutz-Jeghers syndrome. Last evaluated: 2021-07-15. Review status: criteria provided, single submitter. Criteria: ACMG Guidelines, 2015. Collection method: clinical testing. Allele origin: germline. Affected: no.

Labcorp Genetics (formerly Invitae), Labcorp
Classification: Uncertain significance for Peutz-Jeghers syndrome. Last evaluated: 2020-02-05. Review status: criteria provided, single submitter. Criteria: Invitae Variant Classification Sherloc (09022015). Collection method: clinical testing. Allele origin: germline.
Comment: Algorithms developed to predict the effect of missense changes on protein structure and function are either unavailable or do not agree on the potential impact of this missense change (SIFT: "Tolerated"; PolyPhen-2: "Probably Damaging"; Align-GVGD: "Class C0"). In summary, the available evidence is currently insufficient to determine the role of this variant in disease. Therefore, it has been classified as a Variant of Uncertain Significance. This variant has not been reported in the literature in individuals with STK11-related conditions. This variant is not present in population databases (ExAC no frequency). This sequence change replaces lysine with glutamine at codon 81 of the STK11 protein (p.Lys81Gln). The lysine residue is highly conserved and there is a small physicochemical difference between lysine and glutamine.